The following is an entry in ClinVar:

NM_000268.4(NF2):c.1124T>G (p.Met375Arg)

Gene: NF2 (NF2, moesin-ezrin-radixin like (MERLIN) tumor suppressor; plus strand). Cytogenetic location: 22q12.2.
Variant type: single nucleotide variant.
Coding change: c.1124T>G on transcript NM_000268.4 (MANE Select); coding-DNA position 1124, T replaced by G.
Protein change: p.Met375Arg; replaces methionine 375 with arginine.
Molecular consequence: missense variant. On other transcripts: non-coding transcript variant (1), intron variant (1).
Genome position (GRCh38, 1-based): chr22:29,673,270, T>G. VCF-style: chr22-29673270-T-G. GRCh37 (hg19) VCF-style: chr22-30069259-T-G.
Other names: c.1010T>G, p.Met337Arg (NM_001407053.1, NM_001407056.1); c.1001T>G, p.Met334Arg (NM_001407054.1, NM_001407058.1, NM_181829.3); c.998T>G, p.Met333Arg (NM_001407055.1, NM_181828.3); c.989T>G, p.Met330Arg (NM_001407057.1, NM_001407059.1); c.1124T>G, p.Met375Arg (NM_001407060.1, NM_001407066.1, NM_016418.5 and 2 more transcripts); c.866T>G, p.Met289Arg (NM_001407062.1); c.875T>G, p.Met292Arg (NM_001407063.1, NM_001407064.1, NM_181830.3 and 1 more transcripts); c.590T>G, p.Met197Arg (NM_001407065.1); and 2 more; short protein forms M298R, M289R, M292R, M375R, M334R, M337R, M197R, M330R.
Identifiers: ClinVar variation 1798754 (VCV001798754.3), dbSNP rs1556000763, ClinGen allele CA411147961.

ClinVar aggregate classification (germline): Uncertain significance (1 of 4 stars; one submission).

Conditions:
Hereditary cancer-predisposing syndrome. Also called: Neoplastic Syndromes, Hereditary; Tumor predisposition; Hereditary Cancer Syndrome; Hereditary neoplastic syndrome. Identifiers: Orphanet 140162, MedGen C0027672, MeSH D009386, MONDO:0015356.

Submission:

Ambry Genetics
Classification: Uncertain significance for Hereditary cancer-predisposing syndrome. Last evaluated: 2025-11-03. Review status: criteria provided, single submitter. Criteria: Ambry Variant Classification Scheme 2023. Collection method: clinical testing. Allele origin: germline.
Comment: The p.M375R variant (also known as c.1124T>G), located in coding exon 12 of the NF2 gene, results from a T to G substitution at nucleotide position 1124. The methionine at codon 375 is replaced by arginine, an amino acid with similar properties. This amino acid position is not well conserved in available vertebrate species. In addition, the in silico prediction for this alteration is inconclusive. Since supporting evidence is limited at this time, the clinical significance of this alteration remains unclear.